The following is an entry in ClinVar:

NM_000326.5(RLBP1):c.796G>A (p.Val266Ile)

Gene: RLBP1 (retinaldehyde binding protein 1; minus strand). Cytogenetic location: 15q26.1.
Variant type: single nucleotide variant.
Coding change: c.796G>A on transcript NM_000326.5 (MANE Select); coding-DNA position 796, G replaced by A.
Protein change: p.Val266Ile; replaces valine 266 with isoleucine.
Molecular consequence: missense variant.
Genome position (GRCh38, 1-based): chr15:89,210,443, C>T on the plus strand (G>A on the coding strand, the complement: RLBP1 is on the minus strand). VCF-style: chr15-89210443-C-T. GRCh37 (hg19) VCF-style: chr15-89753674-C-T.
Other names: short protein forms V266I.
Identifiers: ClinVar variation 739445 (VCV000739445.14), dbSNP rs200917437, ClinGen allele CA7722168.

ClinVar aggregate classification (germline): Benign/Likely benign. Review status: criteria provided, multiple submitters, no conflicts (2 of 4 stars). 3 submissions from 3 submitters: Benign (1); Likely benign (1). 1 of the submissions does not count toward it. Last evaluated 2026-01-08.

Conditions:
RLBP1-related disorder. Also called: RLBP1-related condition; RLBP1-related disorders. Identifiers: MedGen CN239413.

Allele frequency attached by ClinVar (database versions not stated): gnomAD 0.00009; TOPMed 0.00019; 1000 Genomes Project 0.00020; 1000 Genomes Project 30x 0.00031.
gnomAD v4.1: 187 of 1,614,134 alleles (0.012%); highest among the groups gnomAD compares: Admixed American, 0.3%; 1 homozygote.

Submissions (3):

Labcorp Genetics (formerly Invitae), Labcorp
Classification: Likely benign. Last evaluated: 2026-01-08. Review status: criteria provided, single submitter. Criteria: Invitae Variant Classification Sherloc (09022015). Collection method: clinical testing. Allele origin: germline.

Blueprint Genetics
Classification: Benign. Last evaluated: 2022-10-03. Review status: criteria provided, single submitter. Criteria: ACMG Guidelines, 2015. Collection method: clinical testing. Allele origin: germline.

PreventionGenetics, part of Exact Sciences
Classification: Likely benign for RLBP1-related condition. Last evaluated: 2020-06-16. Review status: no assertion criteria provided. Collection method: clinical testing. Allele origin: germline. Not counted in ClinVar's aggregate classification.
Comment: This variant is classified as likely benign based on ACMG/AMP sequence variant interpretation guidelines (Richards et al. 2015 PMID: 25741868, with internal and published modifications).